The following is an entry in ClinVar:

NM_053025.4(MYLK):c.1174C>T (p.Gln392Ter)

Gene: MYLK (myosin light chain kinase; minus strand). Cytogenetic location: 3q21.1.
Variant type: single nucleotide variant.
Coding change: c.1174C>T on transcript NM_053025.4 (MANE Select); coding-DNA position 1174, C replaced by T.
Protein change: p.Gln392Ter; replaces glutamine 392 with a stop codon.
Molecular consequence: nonsense.
Genome position (GRCh38, 1-based): chr3:123,733,822, G>A on the plus strand (C>T on the coding strand, the complement: MYLK is on the minus strand). VCF-style: chr3-123733822-G-A. GRCh37 (hg19) VCF-style: chr3-123452669-G-A.
Other names: c.646C>T, p.Gln216Ter (NM_001321309.2); c.1174C>T, p.Gln392Ter (NM_053026.4, NM_053027.4, NM_053028.4); short protein forms Q392*, Q216*.
Identifiers: ClinVar variation 1983214 (VCV001983214.4), dbSNP rs2474562164, ClinGen allele CA354239324.
Genomic context (GRCh38, chr3:123,733,822, plus strand): 5'-CTGAATCCCTCTGGCCCTCCATGGGGATTCTCCTGTTAGCAGCCTTGCTCACAACATCTT[G>A]GCTCCCCAGGCCAGGCTGCCTGGTGGGGAAGGTGGCTGGACGGGGAGGAGCTGGCCTCTT-3'

ClinVar aggregate classification (germline): Uncertain significance (1 of 4 stars; one submission).

Conditions:
Aortic aneurysm, familial thoracic 7 (AAT7). Also called: AORTIC DISSECTION, FAMILIAL, WITH OR WITHOUT AORTIC ANEURYSM. Identifiers: MedGen C3151077, MONDO:0013418, OMIM 613780.

Submission:

Labcorp Genetics (formerly Invitae), Labcorp
Classification: Uncertain significance for Aortic aneurysm, familial thoracic 7. Last evaluated: 2022-02-18. Review status: criteria provided, single submitter. Criteria: Invitae Variant Classification Sherloc (09022015). Collection method: clinical testing. Allele origin: germline.
Comment: In summary, the available evidence is currently insufficient to determine the role of this variant in disease. Therefore, it has been classified as a Variant of Uncertain Significance. This variant has not been reported in the literature in individuals affected with MYLK-related conditions. This variant is not present in population databases (gnomAD no frequency). This sequence change creates a premature translational stop signal (p.Gln392*) in the MYLK gene. This variant occurs in the long isoform of MYLK (PMID: 21055718). The current clinical and genetic evidence is not sufficient to establish whether loss-of-function variants in the long isoform of MYLK cause disease.

Literature cited by the submitters: PubMed 21055718.